The following is an entry in ClinVar:

ClinVar aggregate classification (germline): Uncertain significance (1 of 4 stars; one submission).

Conditions:
PEX2-related disorder. Also called: PEX2-related condition.

Submission:

PreventionGenetics, part of Exact Sciences
Classification: Uncertain significance for PEX2-related condition. Last evaluated: 2024-10-29. Review status: criteria provided, single submitter. Criteria: ACMG Guidelines, 2015. Collection method: clinical testing. Allele origin: germline.
Comment: The PEX2 c.913C>G variant is predicted to result in the amino acid substitution p.Leu305Val. To our knowledge, this variant has not been reported in the literature or in a large population database (gnomAD), indicating this variant is rare. At this time, the clinical significance of this variant is uncertain due to the absence of conclusive functional and genetic evidence.

NM_000318.3(PEX2):c.913C>G (p.Leu305Val)

Gene: PEX2 (peroxisomal biogenesis factor 2; minus strand). Cytogenetic location: 8q21.13.
Variant type: single nucleotide variant.
Coding change: c.913C>G on transcript NM_000318.3 (MANE Select); coding-DNA position 913, C replaced by G.
Protein change: p.Leu305Val; replaces leucine 305 with valine.
Molecular consequence: missense variant.
Genome position (GRCh38, 1-based): chr8:76,983,266, G>C on the plus strand (C>G on the coding strand, the complement: PEX2 is on the minus strand). VCF-style: chr8-76983266-G-C. GRCh37 (hg19) VCF-style: chr8-77895502-G-C.
Other names: c.913C>G, p.Leu305Val (NM_001079867.2, NM_001172086.2, NM_001172087.2); short protein forms L305V.
Identifiers: ClinVar variation 5001908 (VCV005001908.1).
Genomic context (GRCh38, chr8:76,983,266, plus strand): 5'-TATTAAGAATTTAAACACGGTGCATTTTTTTCCTCAAAGGAAGCAATTTTAGTTTCTAAA[G>C]AGCATTTACTTCTGACATCTCGATTCCTGATTTCAGTGGCTGCAGACTGTGTACTTCTGT-3'
Protein context (NP_000309.2, residues 295-305): SGIEMSEVNA[Leu305Val]